The following is an entry in ClinVar:

NM_003073.5(SMARCB1):c.199T>C (p.Ser67Pro)

Gene: SMARCB1 (SWI/SNF related BAF chromatin remodeling complex subunit B1; plus strand). Cytogenetic location: 22q11.23.
Variant type: single nucleotide variant.
Coding change: c.199T>C on transcript NM_003073.5 (MANE Select); coding-DNA position 199, T replaced by C.
Protein change: p.Ser67Pro; replaces serine 67 with proline.
Molecular consequence: missense variant.
Genome position (GRCh38, 1-based): chr22:23,791,861, T>C. VCF-style: chr22-23791861-T-C. GRCh37 (hg19) VCF-style: chr22-24134048-T-C.
Other names: c.199T>C, p.Ser67Pro (NM_001007468.3, NM_001317946.2, NM_001362877.2); short protein forms S67P.
Identifiers: ClinVar variation 5029941 (VCV005029941.1).
Genomic context (GRCh38, chr22:23,791,861, plus strand): 5'-TACCCCTCACTCTGGAGGCGACTAGCCACTGTGGAAGAGAGGAAGAAAATAGTTGCATCG[T>C]CACATGGTAAAAAAACAAAACCTAACACTAAGGGTGCGTCTTCACGAGGGTTTGTAAACC-3'
Protein context (NP_003064.2, residues 57-77): VEERKKIVAS[Ser67Pro]HGKKTKPNTK

ClinVar aggregate classification (germline): Uncertain significance (1 of 4 stars; one submission).

Conditions:
Hereditary cancer-predisposing syndrome. Also called: Neoplastic Syndromes, Hereditary; Tumor predisposition; Hereditary neoplastic syndrome; Hereditary Cancer Syndrome. Identifiers: Orphanet 140162, MedGen C0027672, MeSH D009386, MONDO:0015356.

Submission:

Ambry Genetics
Classification: Uncertain significance for Hereditary cancer-predisposing syndrome. Last evaluated: 2026-08-05. Review status: criteria provided, single submitter. Criteria: Ambry Variant Classification Scheme 2023. Collection method: clinical testing. Allele origin: germline.
Comment: The p.S67P variant (also known as c.199T>C), located in coding exon 2 of the SMARCB1 gene, results from a T to C substitution at nucleotide position 199. The serine at codon 67 is replaced by proline, an amino acid with similar properties. This amino acid position is highly conserved in available vertebrate species. In addition, this alteration is predicted to be deleterious by in silico analysis. Based on the available evidence, the clinical significance of this variant remains unclear.